The following is an entry in ClinVar:

ClinVar aggregate classification (germline): Uncertain significance (1 of 4 stars; one submission).

Submission:

GeneDx
Classification: Uncertain significance. Last evaluated: 2022-01-24. Review status: criteria provided, single submitter. Criteria: GeneDx Variant Classification Process June 2021. Collection method: clinical testing. Allele origin: germline. Affected: yes.
Comment: Not observed at significant frequency in large population cohorts (gnomAD); Has not been previously published as pathogenic or benign to our knowledge; In-silico analysis is inconclusive as to whether the variant alters gene splicing. In the absence of RNA/functional studies, the actual effect of this sequence change is unknown.

NM_001127649.3(PEX26):c.230+6T>A

Gene: PEX26 (peroxisomal biogenesis factor 26; plus strand). Cytogenetic location: 22q11.21.
Variant type: single nucleotide variant.
Coding change: c.230+6T>A on transcript NM_001127649.3 (MANE Select); 6 bases into the intron after coding-DNA position 230, T replaced by A.
Molecular consequence: intron variant.
Genome position (GRCh38, 1-based): chr22:18,078,612, T>A. VCF-style: chr22-18078612-T-A. GRCh37 (hg19) VCF-style: chr22-18561378-T-A.
Other names: c.230+6T>A (NM_017929.6, NM_001199319.2).
Identifiers: ClinVar variation 1698231 (VCV001698231.2), dbSNP rs2123644704, ClinGen allele CA513184667.